The following is an entry in ClinVar:

ClinVar aggregate classification (germline): Uncertain significance (1 of 4 stars; one submission).

Conditions:
Congenital disorder of deglycosylation (CDDG). Identifiers: MedGen C3808991, MONDO:0031376.

Allele frequency attached by ClinVar (database versions not stated): gnomAD exomes below 0.00001 and 0.00001; ExAC 0.00002; TOPMed 0.00003; gnomAD 0.00004; 1000 Genomes Project 30x 0.00016; 1000 Genomes Project 0.00020.

Submission:

Labcorp Genetics (formerly Invitae), Labcorp
Classification: Uncertain significance for Congenital disorder of deglycosylation. Last evaluated: 2021-09-01. Review status: criteria provided, single submitter. Criteria: Invitae Variant Classification Sherloc (09022015). Collection method: clinical testing. Allele origin: germline.
Comment: This sequence change replaces valine with alanine at codon 323 of the NGLY1 protein (p.Val323Ala). The valine residue is weakly conserved and there is a small physicochemical difference between valine and alanine. This variant is present in population databases (rs200601419, ExAC 0.02%). This variant has not been reported in the literature in individuals affected with NGLY1-related conditions. Algorithms developed to predict the effect of missense changes on protein structure and function are either unavailable or do not agree on the potential impact of this missense change (SIFT: "Deleterious"; PolyPhen-2: "Benign"; Align-GVGD: "Class C15"). In summary, the available evidence is currently insufficient to determine the role of this variant in disease. Therefore, it has been classified as a Variant of Uncertain Significance.

NM_018297.4(NGLY1):c.968T>C (p.Val323Ala)

Gene: NGLY1 (N-glycanase 1; minus strand). Cytogenetic location: 3p24.2.
Variant type: single nucleotide variant.
Coding change: c.968T>C on transcript NM_018297.4 (MANE Select); coding-DNA position 968, T replaced by C.
Protein change: p.Val323Ala; replaces valine 323 with alanine.
Molecular consequence: missense variant.
Genome position (GRCh38, 1-based): chr3:25,737,369, A>G on the plus strand (T>C on the coding strand, the complement: NGLY1 is on the minus strand). VCF-style: chr3-25737369-A-G. GRCh37 (hg19) VCF-style: chr3-25778860-A-G.
Other names: c.968T>C, p.Val323Ala (NM_001145293.2, NM_001145295.2); c.842T>C, p.Val281Ala (NM_001145294.2); short protein forms V323A, V281A.
Identifiers: ClinVar variation 1503956 (VCV001503956.5), dbSNP rs200601419, ClinGen allele CA2289330.